The following is an entry in ClinVar:

NM_144639.3(UROC1):c.615G>C (p.Met205Ile)

Gene: UROC1 (urocanate hydratase 1; minus strand). Cytogenetic location: 3q21.3.
Variant type: single nucleotide variant.
Coding change: c.615G>C on transcript NM_144639.3 (MANE Select); coding-DNA position 615, G replaced by C.
Protein change: p.Met205Ile; replaces methionine 205 with isoleucine.
Molecular consequence: missense variant.
Genome position (GRCh38, 1-based): chr3:126,505,999, C>G on the plus strand (G>C on the coding strand, the complement: UROC1 is on the minus strand). VCF-style: chr3-126505999-C-G. GRCh37 (hg19) VCF-style: chr3-126224842-C-G.
Other names: c.615G>C, p.Met205Ile (NM_001165974.2); short protein forms M205I.
Identifiers: ClinVar variation 3186999 (VCV003186999.3), dbSNP rs899567669, ClinGen allele CA83285693.

ClinVar aggregate classification (germline): Uncertain significance. Review status: criteria provided, multiple submitters, no conflicts (2 of 4 stars). 3 submissions from 3 submitters: Uncertain significance (3). Last evaluated 2024-01-02.

Conditions:
Urocanate hydratase deficiency (UROCD). Also called: UROCANASE DEFICIENCY; Urocanic aciduria. Identifiers: Orphanet 210128, MedGen C0268514, MONDO:0010167, OMIM 276880, HP:0012237.

Allele frequency attached by ClinVar (database versions not stated): gnomAD 0.00001; gnomAD exomes 0.00001; TOPMed 0.00002.
gnomAD v4.1: 9 of 1,613,330 alleles (0.00056%); highest among the groups gnomAD compares: Admixed American, 0.0033%; no homozygotes.

Submissions (3):

Ambry Genetics
Classification: Uncertain significance. Last evaluated: 2024-01-02. Review status: criteria provided, single submitter. Criteria: Ambry Variant Classification Scheme 2023. Collection method: clinical testing. Allele origin: germline.

Laboratorio de Genetica e Diagnostico Molecular, Hospital Israelita Albert Einstein
Classification: Uncertain significance for Urocanate hydratase deficiency. Last evaluated: 2023-05-16. Review status: criteria provided, single submitter. Criteria: ACMG Guidelines, 2015. Collection method: clinical testing. Allele origin: germline. Affected: yes.
Comment: ACMG classification criteria: PM2 moderate

Blueprint Genetics
Classification: Uncertain significance. Last evaluated: 2021-12-29. Review status: criteria provided, single submitter. Criteria: ACMG Guidelines, 2015. Collection method: clinical testing. Allele origin: germline.